The following is an entry in ClinVar:

NM_013339.4(ALG6):c.4G>A (p.Glu2Lys)

Gene: ALG6 (ALG6 alpha-1,3-glucosyltransferase; plus strand). Cytogenetic location: 1p31.3.
Variant type: single nucleotide variant.
Coding change: c.4G>A on transcript NM_013339.4 (MANE Select); coding-DNA position 4, G replaced by A.
Protein change: p.Glu2Lys; replaces glutamic acid 2 with lysine.
Molecular consequence: missense variant.
Genome position (GRCh38, 1-based): chr1:63,370,981, G>A. VCF-style: chr1-63370981-G-A. GRCh37 (hg19) VCF-style: chr1-63836652-G-A.
Other names: short protein forms E2K.
Identifiers: ClinVar variation 2149219 (VCV002149219.1), dbSNP rs140944848, ClinGen allele CA23799340.
Genomic context (GRCh38, chr1:63,370,981, plus strand): 5'-TAAAAGTACTCTGGCACTGGTGCTGTGTTTTCTTCCCCTCCCTAAATTTGAAGAACTATG[G>A]AGAAATGGTACTTGATGACAGTAGTGGTTTTAATAGGACTAACAGTACGATGGACAGTGT-3'
Protein context (NP_037471.2, residues 1-12): M[Glu2Lys]KWYLMTVVVL

ClinVar aggregate classification (germline): Uncertain significance (1 of 4 stars; one submission).

Conditions:
ALG6-congenital disorder of glycosylation 1C (CDG1C). Also called: Congenital disorder of glycosylation, type Ic; CDG Ic; CARBOHYDRATE-DEFICIENT GLYCOPROTEIN SYNDROME, TYPE I, WITH DEFICIENT GLYCOSYLATION OF DOLICHOL-LINKED OLIGOSACCHARIDE; CARBOHYDRATE-DEFICIENT GLYCOPROTEIN SYNDROME, TYPE V; Congenital disorder of glycosylation type 1C. Identifiers: Orphanet 79320, MedGen C2930997, MONDO:0011291, OMIM 603147.

Allele frequency attached by ClinVar (database versions not stated): TOPMed 0.00002; gnomAD 0.00003; ESP Exome Variant Server 0.00015.
gnomAD v4.1: 5 of 1,604,238 alleles (0.00031%); highest among the groups gnomAD compares: African/African-American, 0.0067%; no homozygotes.

Submission:

Labcorp Genetics (formerly Invitae), Labcorp
Classification: Uncertain significance for ALG6-congenital disorder of glycosylation 1C. Last evaluated: 2022-04-11. Review status: criteria provided, single submitter. Criteria: Invitae Variant Classification Sherloc (09022015). Collection method: clinical testing. Allele origin: germline.
Comment: This sequence change replaces glutamic acid, which is acidic and polar, with lysine, which is basic and polar, at codon 2 of the ALG6 protein (p.Glu2Lys). This variant is present in population databases (rs140944848, gnomAD 0.03%). This variant has not been reported in the literature in individuals affected with ALG6-related conditions. Algorithms developed to predict the effect of missense changes on protein structure and function output the following: SIFT: "Tolerated"; PolyPhen-2: "Benign"; Align-GVGD: "Class C0". The lysine amino acid residue is found in multiple mammalian species, which suggests that this missense change does not adversely affect protein function. In summary, the available evidence is currently insufficient to determine the role of this variant in disease. Therefore, it has been classified as a Variant of Uncertain Significance.